The following is an entry in ClinVar:

NM_000535.7(PMS2):c.1969A>T (p.Asn657Tyr)

Gene: PMS2 (PMS1 homolog 2, mismatch repair system component; minus strand). Cytogenetic location: 7p22.1.
Variant type: single nucleotide variant.
Coding change: c.1969A>T on transcript NM_000535.7 (MANE Select); coding-DNA position 1969, A replaced by T.
Protein change: p.Asn657Tyr; replaces asparagine 657 with tyrosine.
Molecular consequence: missense variant. On other transcripts: non-coding transcript variant (1), intron variant (1).
Genome position (GRCh38, 1-based): chr7:5,986,796, T>A on the plus strand (A>T on the coding strand, the complement: PMS2 is on the minus strand). VCF-style: chr7-5986796-T-A. GRCh37 (hg19) VCF-style: chr7-6026427-T-A.
Other names: c.1564A>T, p.Asn522Tyr (NM_001322003.2, NM_001322004.2, NM_001322005.2 and 16 more transcripts); c.1813A>T, p.Asn605Tyr (NM_001322006.2, NM_001406870.1); c.1651A>T, p.Asn551Tyr (NM_001322007.2, NM_001322008.2, NM_001406876.1 and 2 more transcripts); c.1408A>T, p.Asn470Tyr (NM_001322010.2, NM_001406906.1, NM_001406907.1); c.1036A>T, p.Asn346Tyr (NM_001322011.2, NM_001322012.2); c.1396A>T, p.Asn466Tyr (NM_001322013.2, NM_001406909.1); c.1969A>T, p.Asn657Tyr (NM_001322014.2, NM_001406871.1, NM_001406872.1); c.1660A>T, p.Asn554Tyr (NM_001322015.2, NM_001406875.1, NM_001406877.1 and 5 more transcripts); and 13 more; short protein forms N346Y, N400Y, N466Y, N470Y, N486Y, N499Y, N502Y, N522Y.
Identifiers: ClinVar variation 3894287 (VCV003894287.1).

ClinVar aggregate classification (germline): Uncertain significance (1 of 4 stars; one submission).

Conditions:
Hereditary cancer-predisposing syndrome. Also called: Neoplastic Syndromes, Hereditary; Tumor predisposition; Hereditary Cancer Syndrome; Hereditary neoplastic syndrome. Identifiers: Orphanet 140162, MedGen C0027672, MeSH D009386, MONDO:0015356.

Submission:

Color Diagnostics, LLC DBA Color Health
Classification: Uncertain significance for Hereditary cancer-predisposing syndrome. Last evaluated: 2025-03-31. Review status: criteria provided, single submitter. Criteria: ACMG Guidelines, 2015. Collection method: clinical testing. Allele origin: germline.
Comment: This missense variant replaces asparagine with tyrosine at codon 657 of the PMS2 protein. Computational prediction is inconclusive regarding the impact of this variant on protein structure and function (internally defined REVEL score threshold 0.5 < inconclusive < 0.7, PMID: 27666373). To our knowledge, functional studies have not been reported for this variant. This variant has not been reported in individuals affected with PMS2-related disorders in the literature. This variant has not been identified in the general population by the Genome Aggregation Database (gnomAD). The available evidence is insufficient to determine the role of this variant in disease conclusively. Therefore, this variant is classified as a Variant of Uncertain Significance.